The following is an entry in ClinVar:

NM_003079.5(SMARCE1):c.263A>G (p.Asn88Ser)

Gene: SMARCE1 (SWI/SNF related BAF chromatin remodeling complex subunit E1; minus strand). Cytogenetic location: 17q21.2.
Variant type: single nucleotide variant.
Coding change: c.263A>G on transcript NM_003079.5 (MANE Select); coding-DNA position 263, A replaced by G.
Protein change: p.Asn88Ser; replaces asparagine 88 with serine.
Molecular consequence: missense variant.
Genome position (GRCh38, 1-based): chr17:40,636,501, T>C on the plus strand (A>G on the coding strand, the complement: SMARCE1 is on the minus strand). VCF-style: chr17-40636501-T-C. GRCh37 (hg19) VCF-style: chr17-38792753-T-C.
Other names: short protein forms N88S.
Identifiers: ClinVar variation 2767126 (VCV002767126.3), dbSNP rs1163711259, ClinGen allele CA399367492.

ClinVar aggregate classification (germline): Uncertain significance (1 of 4 stars; one submission).

Conditions:
Familial meningioma. Also called: Meningioma, familial, susceptibility to. Identifiers: Orphanet 263662, MedGen C3551915, MONDO:0011789, OMIM 607174.

Allele frequency attached by ClinVar (database versions not stated): gnomAD exomes below 0.00001; TOPMed below 0.00001.
gnomAD v4.1: 1 of 1,612,318 alleles (0.000062%); highest among the groups gnomAD compares: Non-Finnish European, 0.000085%; no homozygotes.

Submission:

Labcorp Genetics (formerly Invitae), Labcorp
Classification: Uncertain significance for Familial meningioma. Last evaluated: 2023-10-09. Review status: criteria provided, single submitter. Criteria: Invitae Variant Classification Sherloc (09022015). Collection method: clinical testing. Allele origin: germline.
Comment: This sequence change replaces asparagine, which is neutral and polar, with serine, which is neutral and polar, at codon 88 of the SMARCE1 protein (p.Asn88Ser). This variant is not present in population databases (gnomAD no frequency). This variant has not been reported in the literature in individuals affected with SMARCE1-related conditions. Advanced modeling of protein sequence and biophysical properties (such as structural, functional, and spatial information, amino acid conservation, physicochemical variation, residue mobility, and thermodynamic stability) performed at Invitae indicates that this missense variant is expected to disrupt SMARCE1 protein function. In summary, the available evidence is currently insufficient to determine the role of this variant in disease. Therefore, it has been classified as a Variant of Uncertain Significance.